The following is an entry in ClinVar:

NM_001004334.4(GPR179):c.4403G>C (p.Gly1468Ala)

Gene: GPR179 (G protein-coupled receptor 179; minus strand). Cytogenetic location: 17q12.
Variant type: single nucleotide variant.
Coding change: c.4403G>C on transcript NM_001004334.4 (MANE Select); coding-DNA position 4403, G replaced by C.
Protein change: p.Gly1468Ala; replaces glycine 1468 with alanine.
Molecular consequence: missense variant.
Genome position (GRCh38, 1-based): chr17:38,329,166, C>G on the plus strand (G>C on the coding strand, the complement: GPR179 is on the minus strand). VCF-style: chr17-38329166-C-G. GRCh37 (hg19) VCF-style: chr17-36485049-C-G.
Other names: short protein forms G1468A.
Identifiers: ClinVar variation 1525005 (VCV001525005.5), dbSNP rs2037323933, ClinGen allele CA398876957.
Genomic context (GRCh38, chr17:38,329,166, plus strand): 5'-ATCACGTTATCATCCAGCTCCCAGGGACAGATCTCTGCTTTCTGGATAGCAGGAGCATCT[C>G]CTGCCTCCCACAGACACACTTCAGCAATGCCACTGCCCAAACTCCCTGAACACTCTGAGC-3'
Protein context (NP_001004334.3, residues 1458-1478): GIAEVCLWEA[Gly1468Ala]DAPAIQKAEI

ClinVar aggregate classification (germline): Uncertain significance (1 of 4 stars; one submission).

Allele frequency attached by ClinVar (database versions not stated): gnomAD exomes 0.00005.
gnomAD v4.1: 28 of 1,613,984 alleles (0.0017%); highest among the groups gnomAD compares: East Asian, 0.062%; no homozygotes.

Submission:

Labcorp Genetics (formerly Invitae), Labcorp
Classification: Uncertain significance. Last evaluated: 2022-09-06. Review status: criteria provided, single submitter. Criteria: Invitae Variant Classification Sherloc (09022015). Collection method: clinical testing. Allele origin: germline.
Comment: This sequence change replaces glycine, which is neutral and non-polar, with alanine, which is neutral and non-polar, at codon 1468 of the GPR179 protein (p.Gly1468Ala). This variant is not present in population databases (gnomAD no frequency). This variant has not been reported in the literature in individuals affected with GPR179-related conditions. ClinVar contains an entry for this variant (Variation ID: 1525005). Algorithms developed to predict the effect of missense changes on protein structure and function (SIFT, PolyPhen-2, Align-GVGD) all suggest that this variant is likely to be tolerated. In summary, the available evidence is currently insufficient to determine the role of this variant in disease. Therefore, it has been classified as a Variant of Uncertain Significance.